The following is an entry in ClinVar:

NM_000384.3(APOB):c.2989G>A (p.Gly997Arg)

Gene: APOB (apolipoprotein B; minus strand). Cytogenetic location: 2p24.1.
Variant type: single nucleotide variant.
Coding change: c.2989G>A on transcript NM_000384.3 (MANE Select); coding-DNA position 2989, G replaced by A.
Protein change: p.Gly997Arg; replaces glycine 997 with arginine.
Molecular consequence: missense variant.
Genome position (GRCh38, 1-based): chr2:21,019,733, C>T on the plus strand (G>A on the coding strand, the complement: APOB is on the minus strand). VCF-style: chr2-21019733-C-T. GRCh37 (hg19) VCF-style: chr2-21242605-C-T.
Other names: short protein forms G997R.
Identifiers: ClinVar variation 1798482 (VCV001798482.10), dbSNP rs770789595, ClinGen allele CA057682.

ClinVar aggregate classification (germline): Conflicting classifications of pathogenicity. Review status: criteria provided, conflicting classifications (1 of 4 stars). 5 submissions from 5 submitters: Uncertain significance (4); Likely benign (1). Last evaluated 2025-09-03.

Conditions:
Cardiovascular phenotype. Identifiers: MedGen CN230736.
Familial hypobetalipoproteinemia 1. Also called: Hypobetalipoproteinemia, normotriglyceridemic; Acanthocytosis with hypobetalipoproteinemia; APOB-Related Familial Hypobetalipoproteinemia. Identifiers: MedGen C4551990, MONDO:0014252, OMIM 615558.
Hypercholesterolemia, autosomal dominant, type B (FHCL2). Also called: Familial Hypercholesterolemia Type B; APOLIPOPROTEIN B-100, FAMILIAL DEFECTIVE; APOLIPOPROTEIN B-100, FAMILIAL LIGAND-DEFECTIVE; HYPERCHOLESTEROLEMIA, FAMILIAL, DUE TO LIGAND-DEFECTIVE APOLIPOPROTEIN B; Familial hypercholesterolemia 2; APOB-Related Familial Hypercholesterolemia, Autosomal Dominant. Identifiers: MedGen C1704417, MONDO:0007751, OMIM 144010.

Allele frequency attached by ClinVar (database versions not stated): gnomAD exomes below 0.00001; ExAC 0.00001.
gnomAD v4.1: 7 of 1,614,042 alleles (0.00043%); highest among the groups gnomAD compares: Admixed American, 0.0017%; no homozygotes.

Submissions (5):

Quest Diagnostics Nichols Institute San Juan Capistrano
Classification: Uncertain significance. Last evaluated: 2025-09-03. Review status: criteria provided, single submitter. Criteria: Quest Diagnostics criteria. Collection method: clinical testing. Allele origin: unknown.
Comment: The APOB c.2989G>A (p.Gly997Arg) variant has not been reported in individuals with APOB-related conditions in the published literature. The frequency of this variant in the general population (Genome Aggregation Database) is uninformative in the assessment of its pathogenicity. Analysis of this variant using bioinformatics tools for the prediction of the effect of amino acid changes on protein structure and function yielded conflicting predictions that this variant is benign or damaging. Additional analysis using software algorithms for the prediction of the effect of nucleotide changes on APOB mRNA splicing yielded predictions that this variant may result in the gain of a cryptic splice site without affecting the natural splice sites. Based on the available information, we are unable to determine the clinical significance of this variant.

Molecular Diagnostic Laboratory for Inherited Cardiovascular Disease, Montreal Heart Institute
Classification: Uncertain significance for Cardiovascular phenotype. Last evaluated: 2025-07-24. Review status: criteria provided, single submitter. Criteria: ACMG Guidelines, 2015. Collection method: clinical testing. Allele origin: germline. Affected: yes.
Comment: PM2

Women's Health and Genetics/Laboratory Corporation of America, LabCorp
Classification: Uncertain significance. Last evaluated: 2024-06-19. Review status: criteria provided, single submitter. Criteria: LabCorp Variant Classification Summary - May 2015. Collection method: clinical testing. Allele origin: germline.
Comment: Variant summary: APOB c.2989G>A (p.Gly997Arg) results in a non-conservative amino acid change located in the Lipid transport, open beta-sheet domain (IPR009454) of the encoded protein sequence. Three of five in-silico tools predict a damaging effect of the variant on protein function. The variant allele was found at a frequency of 1.2e-05 in 251190 control chromosomes, predominantly at a frequency of 6.2e-05 within the African or African-American subpopulation in the gnomAD database. The available data on variant occurrences in the general population are insufficient to allow any conclusion about variant significance. To our knowledge, no occurrence of c.2989G>A in individuals affected with Early Onset Coronary Artery Disease and no experimental evidence demonstrating its impact on protein function have been reported. ClinVar contains an entry for this variant (Variation ID: 1798482). Based on the evidence outlined above, the variant was classified as uncertain significance.

Labcorp Genetics (formerly Invitae), Labcorp
Classification: Likely benign for Familial hypobetalipoproteinemia 1; Hypercholesterolemia, autosomal dominant, type B. Last evaluated: 2024-03-20. Review status: criteria provided, single submitter. Criteria: Invitae Variant Classification Sherloc (09022015). Collection method: clinical testing. Allele origin: germline.

Ambry Genetics
Classification: Uncertain significance for Cardiovascular phenotype. Last evaluated: 2022-05-30. Review status: criteria provided, single submitter. Criteria: Ambry Variant Classification Scheme 2023. Collection method: clinical testing. Allele origin: germline.
Comment: The p.G997R variant (also known as c.2989G>A), located in coding exon 19 of the APOB gene, results from a G to A substitution at nucleotide position 2989. The glycine at codon 997 is replaced by arginine, an amino acid with dissimilar properties. This amino acid position is conserved. In addition, this alteration is predicted to be tolerated by in silico analysis. Since supporting evidence is limited at this time, the clinical significance of this alteration remains unclear.